The following is an entry in ClinVar:

NM_033026.6(PCLO):c.4036T>C (p.Ser1346Pro)

Gene: PCLO (piccolo presynaptic cytomatrix protein; minus strand). Cytogenetic location: 7q21.11.
Variant type: single nucleotide variant.
Coding change: c.4036T>C on transcript NM_033026.6 (MANE Select); coding-DNA position 4036, T replaced by C.
Protein change: p.Ser1346Pro; replaces serine 1346 with proline.
Molecular consequence: missense variant.
Genome position (GRCh38, 1-based): chr7:82,956,917, A>G on the plus strand (T>C on the coding strand, the complement: PCLO is on the minus strand). VCF-style: chr7-82956917-A-G. GRCh37 (hg19) VCF-style: chr7-82586233-A-G.
Other names: c.4036T>C, p.Ser1346Pro (NM_014510.3); short protein forms S1346P.
Identifiers: ClinVar variation 1405201 (VCV001405201.6), dbSNP rs1795539907, ClinGen allele CA367929061.
Genomic context (GRCh38, chr7:82,956,917, plus strand): 5'-AATATCCCGTGTCGCTCAGACCTTGGGGGCTTTTAGGCTGCTGAGAACTTGAGGTGTCTG[A>G]TTTGTCATCTTCCTTTTCCTAAGCAGGGAGATAAAGATACAGGAAAACTTAACATGGTTA-3'
Protein context (NP_149015.2, residues 1336-1356): KEKTEKEDDK[Ser1346Pro]DTSSSQQPKS

ClinVar aggregate classification (germline): Uncertain significance (1 of 4 stars; one submission).

Allele frequency attached by ClinVar (database versions not stated): TOPMed below 0.00001.

Submission:

Labcorp Genetics (formerly Invitae), Labcorp
Classification: Uncertain significance. Last evaluated: 2021-11-28. Review status: criteria provided, single submitter. Criteria: Invitae Variant Classification Sherloc (09022015). Collection method: clinical testing. Allele origin: germline.
Comment: This variant is not present in population databases (gnomAD no frequency). This sequence change replaces serine, which is neutral and polar, with proline, which is neutral and non-polar, at codon 1346 of the PCLO protein (p.Ser1346Pro). This variant has not been reported in the literature in individuals affected with PCLO-related conditions. In summary, the available evidence is currently insufficient to determine the role of this variant in disease. Therefore, it has been classified as a Variant of Uncertain Significance. Algorithms developed to predict the effect of missense changes on protein structure and function are either unavailable or do not agree on the potential impact of this missense change (SIFT: "Deleterious"; PolyPhen-2: "Not Available"; Align-GVGD: "Class C0").